The following is an entry in ClinVar:

NM_206937.2(LIG4):c.-101-172C>T

Gene: LIG4 (DNA ligase 4; minus strand). Cytogenetic location: 13q33.3.
Variant type: single nucleotide variant.
Coding change: c.-101-172C>T on transcript NM_206937.2 (MANE Select); 172 bases into the intron before 101 bases upstream of the start codon, C replaced by T.
Molecular consequence: intron variant. On other transcripts: 5 prime UTR variant (2).
Genome position (GRCh38, 1-based): chr13:108,214,782, G>A on the plus strand (C>T on the coding strand, the complement: LIG4 is on the minus strand). VCF-style: chr13-108214782-G-A. GRCh37 (hg19) VCF-style: chr13-108867130-G-A.
Other names: c.-273C>T (NM_001379095.1, NM_002312.3); c.-29+3380C>T (NM_001098268.2); c.-101-172C>T (NM_001352600.2, NM_001352602.2, NM_001352603.1); c.-185-64C>T (NM_001352598.2); c.-209-64C>T (NM_001352599.2, NM_001352601.2); c.-222-172C>T (NM_001330595.2); c.-93-64C>T (NM_001352604.2).
Identifiers: ClinVar variation 311002 (VCV000311002.6), dbSNP rs1805387, ClinGen allele CA10643698.

ClinVar aggregate classification (germline): Benign. Review status: criteria provided, multiple submitters, no conflicts (2 of 4 stars). 3 submissions from 2 submitters: Benign (3). Last evaluated 2018-01-13.

Conditions:
Severe combined immunodeficiency due to DCLRE1C deficiency (RS-SCID). Also called: SCID, AUTOSOMAL RECESSIVE, T CELL-NEGATIVE, B CELL-NEGATIVE, NK CELL-POSITIVE, WITH SENSITIVITY TO IONIZING RADIATION. Identifiers: Orphanet 275, MedGen C1865371, MONDO:0011225, OMIM 602450.
DNA ligase IV deficiency. Identifiers: Orphanet 99812, MedGen C1847827, MONDO:0011686, OMIM 606593.

Allele frequency attached by ClinVar (database versions not stated): TOPMed 0.02857; 1000 Genomes Project 30x 0.03326; 1000 Genomes Project 0.03375; gnomAD 0.02553 and 0.02719; gnomAD exomes 0.00236.
gnomAD v4.1: 3,831 of 152,102 alleles (2.5%); highest among the groups gnomAD compares: African/African-American, 8.8%; 167 homozygotes.

Submissions (3):

Illumina Laboratory Services, Illumina
Classification: Benign for DNA ligase IV deficiency. Last evaluated: 2018-01-13. Review status: criteria provided, single submitter. Criteria: ICSL Variant Classification Criteria 13 December 2019. Collection method: clinical testing. Allele origin: germline.
Comment: This variant was observed in the ICSL laboratory as part of a predisposition screen in an ostensibly healthy population. It had not been previously curated by ICSL or reported in the Human Gene Mutation Database (HGMD: prior to June 1st, 2018), and was therefore a candidate for classification through an automated scoring system. Utilizing variant allele frequency, disease prevalence and penetrance estimates, and inheritance mode, an automated score was calculated to assess if this variant is too frequent to cause the disease. Based on the score and internal cut-off values, a variant classified as benign is not then subjected to further curation. The score for this variant resulted in a classification of benign for this disease.

Illumina Laboratory Services, Illumina
Classification: Benign for Severe combined immunodeficiency due to DCLRE1C deficiency. Last evaluated: 2018-01-13. Review status: criteria provided, single submitter. Criteria: ICSL Variant Classification Criteria 13 December 2019. Collection method: clinical testing. Allele origin: germline.
Comment: the same text as in the submission from Illumina Laboratory Services, Illumina above.

Breakthrough Genomics
Classification: Benign. Review status: criteria provided, single submitter. Criteria: ACMG Guidelines, 2015. Collection method: not provided. Allele origin: germline. Inheritance: Autosomal recessive inheritance. Affected: yes.